The following is an entry in ClinVar:

NM_000052.7(ATP7A):c.491G>A (p.Ser164Asn)

Gene: ATP7A (ATPase copper transporting alpha; plus strand). Cytogenetic location: Xq21.1.
Variant type: single nucleotide variant.
Coding change: c.491G>A on transcript NM_000052.7 (MANE Select); coding-DNA position 491, G replaced by A.
Protein change: p.Ser164Asn; replaces serine 164 with asparagine.
Molecular consequence: missense variant.
Genome position (GRCh38, 1-based): chrX:77,988,612, G>A. VCF-style: chrX-77988612-G-A. GRCh37 (hg19) VCF-style: chrX-77244108-G-A.
Other names: p.Ser164Asn; c.491G>A, p.Ser164Asn (NM_001282224.2); short protein forms S164N.
Identifiers: ClinVar variation 465127 (VCV000465127.63), dbSNP rs144655617, ClinGen allele CA10458926.

ClinVar aggregate classification (germline): Benign/Likely benign. Review status: criteria provided, multiple submitters, no conflicts (2 of 4 stars). 7 submissions from 7 submitters: Benign (6); Likely benign (1). Last evaluated 2026-02-02.

Conditions:
Inborn genetic diseases. Identifiers: MedGen C0950123, MeSH D030342.
Cutis laxa, X-linked (OHS). Also called: Occipital horn syndrome; EDS IX. Identifiers: Orphanet 198, MedGen C0268353, MONDO:0010572, OMIM 304150.
X-linked distal spinal muscular atrophy type 3. Also called: ATP7A-Related Distal Motor Neuropathy; SPINAL MUSCULAR ATROPHY, DISTAL, X-LINKED RECESSIVE; NEURONOPATHY, DISTAL HEREDITARY MOTOR, X-LINKED; NEUROPATHY, DISTAL HEREDITARY MOTOR, X-LINKED. Identifiers: Orphanet 139557, MedGen C1845359, MONDO:0010338, OMIM 300489.
Menkes kinky-hair syndrome (MNK). Also called: Menkes Disease; Copper transport disease; Classic Menkes Disease. Identifiers: Orphanet 565, MedGen C0022716, MONDO:0010651, OMIM 309400.

Allele frequency attached by ClinVar (database versions not stated): gnomAD exomes 0.00042 and 0.00103; ExAC 0.00126; 1000 Genomes Project 0.00265; 1000 Genomes Project 30x 0.00271; gnomAD 0.00325 and 0.00356; TOPMed 0.00370; ESP Exome Variant Server 0.00445.
gnomAD v4.1: 834 of 1,210,047 alleles (0.069%); highest among the groups gnomAD compares: African/African-American, 1.2%; 3 homozygotes.

Submissions (7):

Labcorp Genetics (formerly Invitae), Labcorp
Classification: Benign for X-linked distal spinal muscular atrophy type 3; Cutis laxa, X-linked; Menkes kinky-hair syndrome. Last evaluated: 2026-02-02. Review status: criteria provided, single submitter. Criteria: Invitae Variant Classification Sherloc (09022015). Collection method: clinical testing. Allele origin: germline.

Blueprint Genetics
Classification: Likely benign. Last evaluated: 2024-11-21. Review status: criteria provided, single submitter. Criteria: ACMG Guidelines, 2015. Collection method: clinical testing. Allele origin: germline.

Mayo Clinic Laboratories, Mayo Clinic
Classification: Benign. Last evaluated: 2021-06-21. Review status: criteria provided, single submitter. Criteria: ACMG Guidelines, 2015. Collection method: clinical testing. Allele origin: germline. Observed: 5 variant alleles.

ARUP Laboratories, Molecular Genetics and Genomics, ARUP Laboratories
Classification: Benign. Last evaluated: 2020-02-14. Review status: criteria provided, single submitter. Criteria: ARUP Molecular Germline Variant Investigation Process. Collection method: clinical testing. Allele origin: germline.

GeneDx
Classification: Benign. Last evaluated: 2017-05-19. Review status: criteria provided, single submitter. Criteria: GeneDx Variant Classification (06012015). Collection method: clinical testing. Allele origin: germline. Affected: yes.
Comment: This variant is considered likely benign or benign based on one or more of the following criteria: it is a conservative change, it occurs at a poorly conserved position in the protein, it is predicted to be benign by multiple in silico algorithms, and/or has population frequency not consistent with disease.

Ambry Genetics
Classification: Benign for Inborn genetic diseases. Last evaluated: 2016-04-18. Review status: criteria provided, single submitter. Criteria: Ambry Variant Classification Scheme 2023. Collection method: clinical testing. Allele origin: germline.

Breakthrough Genomics
Classification: Benign. Review status: criteria provided, single submitter. Criteria: ACMG Guidelines, 2015. Collection method: not provided. Allele origin: germline. Inheritance: X-linked inheritance. Affected: yes.